The following is an entry in ClinVar:

NM_001394062.1(MACF1):c.14864G>A (p.Arg4955His)

Genes: MACF1 (microtubule actin crosslinking factor 1; plus strand), LOC114803468 (MACF1 eExon liver enhancer; plus strand). Cytogenetic location: 1p34.3.
Variant type: single nucleotide variant.
Coding change: c.14864G>A on transcript NM_001394062.1 (MANE Select); coding-DNA position 14864, G replaced by A.
Protein change: p.Arg4955His; replaces arginine 4955 with histidine.
Molecular consequence: missense variant.
Genome position (GRCh38, 1-based): chr1:39,387,706, G>A. VCF-style: chr1-39387706-G-A. GRCh37 (hg19) VCF-style: chr1-39853378-G-A.
Other names: c.8678G>A, p.Arg2893His (NM_012090.5); short protein forms R2893H, R4955H.
Identifiers: ClinVar variation 1973649 (VCV001973649.5), dbSNP rs140695276, ClinGen allele CA782315.

ClinVar aggregate classification (germline): Uncertain significance (1 of 4 stars; one submission).

Allele frequency attached by ClinVar (database versions not stated): ExAC 0.00005; gnomAD 0.00005; TOPMed 0.00005; ESP Exome Variant Server 0.00008; 1000 Genomes Project 30x 0.00016; 1000 Genomes Project 0.00020.
gnomAD v4.1: 30 of 1,614,124 alleles (0.0019%); highest among the groups gnomAD compares: African/African-American, 0.015%; no homozygotes.

Submission:

Labcorp Genetics (formerly Invitae), Labcorp
Classification: Uncertain significance. Last evaluated: 2024-05-06. Review status: criteria provided, single submitter. Criteria: Invitae Variant Classification Sherloc (09022015). Collection method: clinical testing. Allele origin: germline.
Comment: This sequence change replaces arginine, which is basic and polar, with histidine, which is basic and polar, at codon 2893 of the MACF1 protein (p.Arg2893His). This variant is present in population databases (rs140695276, gnomAD 0.02%). This variant has not been reported in the literature in individuals affected with MACF1-related conditions. ClinVar contains an entry for this variant (Variation ID: 1973649). Algorithms developed to predict the effect of missense changes on protein structure and function output the following: SIFT: "Not Available"; PolyPhen-2: "Benign"; Align-GVGD: "Not Available". The histidine amino acid residue is found in multiple mammalian species, which suggests that this missense change does not adversely affect protein function. In summary, the available evidence is currently insufficient to determine the role of this variant in disease. Therefore, it has been classified as a Variant of Uncertain Significance.